The following is an entry in ClinVar:

NM_032590.5(KDM2B):c.3434T>A (p.Ile1145Asn)

Gene: KDM2B (lysine demethylase 2B; minus strand). Cytogenetic location: 12q24.31.
Variant type: single nucleotide variant.
Coding change: c.3434T>A on transcript NM_032590.5 (MANE Select); coding-DNA position 3434, T replaced by A.
Protein change: p.Ile1145Asn; replaces isoleucine 1145 with asparagine.
Molecular consequence: missense variant.
Genome position (GRCh38, 1-based): chr12:121,441,084, A>T on the plus strand (T>A on the coding strand, the complement: KDM2B is on the minus strand). VCF-style: chr12-121441084-A-T. GRCh37 (hg19) VCF-style: chr12-121878887-A-T.
Other names: c.3227T>A, p.Ile1076Asn (NM_001005366.2); short protein forms I1076N, I1145N.
Identifiers: ClinVar variation 3774281 (VCV003774281.1).

ClinVar aggregate classification (germline): Uncertain significance (1 of 4 stars; one submission).

Submission:

GeneDx
Classification: Uncertain significance. Last evaluated: 2024-09-20. Review status: criteria provided, single submitter. Criteria: GeneDx Variant Classification Process June 2021. Collection method: clinical testing. Allele origin: germline. Affected: yes.
Comment: Not observed at significant frequency in large population cohorts (gnomAD); In silico analysis supports that this missense variant has a deleterious effect on protein structure/function; Has not been previously published as pathogenic or benign to our knowledge